The following is an entry in ClinVar:

ClinVar aggregate classification (germline): Uncertain significance (1 of 4 stars; one submission).

Conditions:
Hereditary cancer-predisposing syndrome. Also called: Neoplastic Syndromes, Hereditary; Tumor predisposition; Hereditary Cancer Syndrome; Hereditary neoplastic syndrome. Identifiers: Orphanet 140162, MedGen C0027672, MeSH D009386, MONDO:0015356.

Submission:

Ambry Genetics
Classification: Uncertain significance for Hereditary cancer-predisposing syndrome. Last evaluated: 2026-06-10. Review status: criteria provided, single submitter. Criteria: Ambry Variant Classification Scheme 2023. Collection method: clinical testing. Allele origin: germline.
Comment: The p.L50H variant (also known as c.149T>A), located in coding exon 2 of the SMARCB1 gene, results from a T to A substitution at nucleotide position 149. The leucine at codon 50 is replaced by histidine, an amino acid with similar properties. This amino acid position is conserved. In addition, this alteration is predicted to be deleterious by in silico analysis. Based on the available evidence, the clinical significance of this variant remains unclear.

NM_003073.5(SMARCB1):c.149T>A (p.Leu50His)

Gene: SMARCB1 (SWI/SNF related BAF chromatin remodeling complex subunit B1; plus strand). Cytogenetic location: 22q11.23.
Variant type: single nucleotide variant.
Coding change: c.149T>A on transcript NM_003073.5 (MANE Select); coding-DNA position 149, T replaced by A.
Protein change: p.Leu50His; replaces leucine 50 with histidine.
Molecular consequence: missense variant.
Genome position (GRCh38, 1-based): chr22:23,791,811, T>A. VCF-style: chr22-23791811-T-A. GRCh37 (hg19) VCF-style: chr22-24133998-T-A.
Other names: c.149T>A, p.Leu50His (NM_001007468.3, NM_001317946.2, NM_001362877.2); short protein forms L50H.
Identifiers: ClinVar variation 4864835 (VCV004864835.1).